The following is an entry in ClinVar:

NM_020184.4(CNNM4):c.2072T>C (p.Leu691Pro)

Gene: CNNM4 (cyclin and CBS domain divalent metal cation transport mediator 4; plus strand). Cytogenetic location: 2q11.2.
Variant type: single nucleotide variant.
Coding change: c.2072T>C on transcript NM_020184.4 (MANE Select); coding-DNA position 2072, T replaced by C.
Protein change: p.Leu691Pro; replaces leucine 691 with proline.
Molecular consequence: missense variant.
Genome position (GRCh38, 1-based): chr2:96,808,684, T>C. VCF-style: chr2-96808684-T-C. GRCh37 (hg19) VCF-style: chr2-97474421-T-C.
Other names: short protein forms L691P.
Identifiers: ClinVar variation 1063857 (VCV001063857.9), dbSNP rs781192785, ClinGen allele CA1783559.

ClinVar aggregate classification (germline): Uncertain significance (1 of 4 stars; one submission).

Allele frequency attached by ClinVar (database versions not stated): gnomAD exomes below 0.00001 and 0.00003; ExAC 0.00001; TOPMed 0.00001.
gnomAD v4.1: 50 of 1,614,226 alleles (0.0031%); highest among the groups gnomAD compares: Non-Finnish European, 0.0042%; no homozygotes.

Submission:

Labcorp Genetics (formerly Invitae), Labcorp
Classification: Uncertain significance. Last evaluated: 2021-02-13. Review status: criteria provided, single submitter. Criteria: Invitae Variant Classification Sherloc (09022015). Collection method: clinical testing. Allele origin: germline.
Comment: This variant has not been reported in the literature in individuals with CNNM4-related conditions. This variant is present in population databases (rs781192785, ExAC 0.001%). This sequence change replaces leucine with proline at codon 691 of the CNNM4 protein (p.Leu691Pro). The leucine residue is moderately conserved and there is a moderate physicochemical difference between leucine and proline. Algorithms developed to predict the effect of missense changes on protein structure and function (SIFT, PolyPhen-2, Align-GVGD) all suggest that this variant is likely to be tolerated, but these predictions have not been confirmed by published functional studies and their clinical significance is uncertain. In summary, the available evidence is currently insufficient to determine the role of this variant in disease. Therefore, it has been classified as a Variant of Uncertain Significance.